The following is an entry in ClinVar:

NM_001853.4(COL9A3):c.1300G>T (p.Ala434Ser)

Gene: COL9A3 (collagen type IX alpha 3 chain; plus strand). Cytogenetic location: 20q13.33.
Variant type: single nucleotide variant.
Coding change: c.1300G>T on transcript NM_001853.4 (MANE Select); coding-DNA position 1300, G replaced by T.
Protein change: p.Ala434Ser; replaces alanine 434 with serine.
Molecular consequence: missense variant.
Genome position (GRCh38, 1-based): chr20:62,832,166, G>T. VCF-style: chr20-62832166-G-T. GRCh37 (hg19) VCF-style: chr20-61463518-G-T.
Other names: short protein forms A434S.
Identifiers: ClinVar variation 2746570 (VCV002746570.3), dbSNP rs2063601999, ClinGen allele CA409595963.

ClinVar aggregate classification (germline): Uncertain significance (1 of 4 stars; one submission).

Submission:

Labcorp Genetics (formerly Invitae), Labcorp
Classification: Uncertain significance. Last evaluated: 2023-05-29. Review status: criteria provided, single submitter. Criteria: Invitae Variant Classification Sherloc (09022015). Collection method: clinical testing. Allele origin: germline.
Comment: This sequence change replaces alanine, which is neutral and non-polar, with serine, which is neutral and polar, at codon 434 of the COL9A3 protein (p.Ala434Ser). This variant is not present in population databases (gnomAD no frequency). This variant has not been reported in the literature in individuals affected with COL9A3-related conditions. Advanced modeling of protein sequence and biophysical properties (such as structural, functional, and spatial information, amino acid conservation, physicochemical variation, residue mobility, and thermodynamic stability) performed at Invitae indicates that this missense variant is not expected to disrupt COL9A3 protein function. In summary, the available evidence is currently insufficient to determine the role of this variant in disease. Therefore, it has been classified as a Variant of Uncertain Significance.